The following is an entry in ClinVar:

NM_002855.5(NECTIN1):c.892A>G (p.Arg298Gly)

Gene: NECTIN1 (nectin cell adhesion molecule 1; minus strand). Cytogenetic location: 11q23.3.
Variant type: single nucleotide variant.
Coding change: c.892A>G on transcript NM_002855.5 (MANE Select); coding-DNA position 892, A replaced by G.
Protein change: p.Arg298Gly; replaces arginine 298 with glycine.
Molecular consequence: missense variant.
Genome position (GRCh38, 1-based): chr11:119,675,270, T>C on the plus strand (A>G on the coding strand, the complement: NECTIN1 is on the minus strand). VCF-style: chr11-119675270-T-C. GRCh37 (hg19) VCF-style: chr11-119545980-T-C.
Other names: c.892A>G, p.Arg298Gly (NM_203285.2, NM_203286.2); short protein forms R298G.
Identifiers: ClinVar variation 1955777 (VCV001955777.4), dbSNP rs766521154, ClinGen allele CA6321953.
Genomic context (GRCh38, chr11:119,675,270, plus strand): 5'-CCTCACAGATGTAGGTCCCTGCCAGGCTGTAGTTGATGGGTCCCTTGAAGAAGAGGGTTC[T>C]GTTCTGGGCCTCCACACCCTTGGGGAGAGAGCCATTTAGCCTGTGGGAAGTGGGAGACAC-3'
Protein context (NP_002846.3, residues 288-308): SLPKGVEAQN[Arg298Gly]TLFFKGPINY

ClinVar aggregate classification (germline): Uncertain significance (1 of 4 stars; one submission).

Allele frequency attached by ClinVar (database versions not stated): gnomAD exomes below 0.00001; TOPMed below 0.00001; ExAC 0.00001.
gnomAD v4.1: 2 of 1,614,150 alleles (0.00012%); highest among the groups gnomAD compares: Admixed American, 0.0017%; no homozygotes.

Submission:

Labcorp Genetics (formerly Invitae), Labcorp
Classification: Uncertain significance. Last evaluated: 2024-10-26. Review status: criteria provided, single submitter. Criteria: Invitae Variant Classification Sherloc (09022015). Collection method: clinical testing. Allele origin: germline.
Comment: This sequence change replaces arginine, which is basic and polar, with glycine, which is neutral and non-polar, at codon 298 of the NECTIN1 protein (p.Arg298Gly). This variant is present in population databases (rs766521154, gnomAD 0.0009%). This variant has not been reported in the literature in individuals affected with NECTIN1-related conditions. ClinVar contains an entry for this variant (Variation ID: 1955777). An algorithm developed to predict the effect of missense changes on protein structure and function (PolyPhen-2) suggests that this variant¬†is likely to be tolerated. In summary, the available evidence is currently insufficient to determine the role of this variant in disease. Therefore, it has been classified as a Variant of Uncertain Significance.